The following is an entry in ClinVar:

ClinVar aggregate classification (germline): Uncertain significance (1 of 4 stars; one submission).

Conditions:
TRIM32-related disorder. Also called: TRIM32-related condition.

Submission:

PreventionGenetics, part of Exact Sciences
Classification: Uncertain significance for TRIM32-related condition. Last evaluated: 2025-04-28. Review status: criteria provided, single submitter. Criteria: ACMG Guidelines, 2015. Collection method: clinical testing. Allele origin: germline.
Comment: The TRIM32 c.1808C>T variant is predicted to result in the amino acid substitution p.Pro603Leu. To our knowledge, this variant has not been reported in the literature or in a large population database (gnomAD), indicating this variant is rare. At this time, the clinical significance of this variant is uncertain due to the absence of conclusive functional and genetic evidence.

NM_012210.4(TRIM32):c.1808C>T (p.Pro603Leu)

Genes: ASTN2 (astrotactin 2; minus strand), TRIM32 (tripartite motif containing 32; plus strand). Cytogenetic location: 9q33.1.
Variant type: single nucleotide variant.
Coding change: c.1808C>T on transcript NM_012210.4 (MANE Select); coding-DNA position 1808, C replaced by T.
Protein change: p.Pro603Leu; replaces proline 603 with leucine.
Molecular consequence: missense variant. On other transcripts: intron variant (3).
Genome position (GRCh38, 1-based): chr9:116,699,550, C>T. VCF-style: chr9-116699550-C-T. GRCh37 (hg19) VCF-style: chr9-119461829-C-T.
Other names: c.1808C>T, p.Pro603Leu (NM_001099679.2, NM_001379048.1, NM_001379049.1 and 1 more transcripts); c.2653+26221G>A (NM_014010.5); c.2794+26221G>A (NM_001365069.1); c.2806+26221G>A (NM_001365068.1); short protein forms P603L.
Identifiers: ClinVar variation 4998864 (VCV004998864.1).